The following is an entry in ClinVar:

NC_000014.8:g.(?_23861761)_(23889453_?)del

Genes: MYH6 (myosin heavy chain 6; minus strand), MIR208B (microRNA 208b; minus strand), MYH7 (myosin heavy chain 7; minus strand). Cytogenetic location: 14q11.2.
Variant type: Deletion.
Identifiers: ClinVar variation 1060908 (VCV001060908.1).

ClinVar aggregate classification (germline): Uncertain significance. Review status: criteria provided, single submitter (1 of 4 stars). 2 submissions from 1 submitter: Uncertain significance (2). Last evaluated 2020-07-31.

Conditions:
Hypertrophic cardiomyopathy 14. Identifiers: MedGen C2750467, MONDO:0013197, OMIM 613251.
Hypertrophic cardiomyopathy. Also called: HYPERTROPHIC MYOCARDIOPATHY. Identifiers: Orphanet 217569, MedGen C0007194, MeSH D002312, MONDO:0005045, HP:0001639.

Submissions (2):

Labcorp Genetics (formerly Invitae), Labcorp
Classification: Uncertain significance for Hypertrophic cardiomyopathy. Last evaluated: 2020-07-31. Review status: criteria provided, single submitter. Criteria: Invitae Variant Classification Sherloc (09022015). Collection method: clinical testing. Allele origin: germline.
Comment: This variant is a gross deletion of the genomic region encompassing exon(s) 27-40 of the MYH7 gene. The 5' boundary is likely confined to intron 26. The 3' end of this event is unknown as it extends through the termination codon beyond the assayed region for this gene and may encompass additional genes. While this deletion is not anticipated to result in nonsense mediated decay, it is expected to create a truncated protein product or disrupt mRNA translation. This variant has not been reported in the literature in individuals with MYH7-related conditions. Experimental studies and prediction algorithms are not available or were not evaluated, and the functional significance of this variant is currently unknown. In summary, the available evidence is currently insufficient to determine the role of this variant in disease. Therefore, it has been classified as a Variant of Uncertain Significance.

Labcorp Genetics (formerly Invitae), Labcorp
Classification: Uncertain significance for Hypertrophic cardiomyopathy 14. Last evaluated: 2020-07-31. Review status: criteria provided, single submitter. Criteria: Invitae Variant Classification Sherloc (09022015). Collection method: clinical testing. Allele origin: germline.
Comment: This variant is a gross deletion of the genomic region encompassing exons 1-25 of the MYH6 gene, which includes the initiator codon. The 5' end of this event is unknown as it extends beyond the assayed region for this gene and therefore may encompass additional genes. The 3' boundary is likely confined to intron 25 of the MYH6 gene. This is expected to result in an absent or disrupted protein product. This variant has not been reported in the literature in individuals with MYH6-related conditions. Experimental studies and prediction algorithms are not available or were not evaluated, and the functional significance of this variant is currently unknown. The current clinical and genetic evidence is not sufficient to establish whether loss-of-function variants in MYH6 cause disease. In summary, the available evidence is currently insufficient to determine the role of this variant in disease. Therefore, it has been classified as a Variant of Uncertain Significance.